The following is an entry in ClinVar:

NM_004655.4(AXIN2):c.1058C>G (p.Pro353Arg)

Gene: AXIN2 (axin 2; minus strand). Cytogenetic location: 17q24.1.
Variant type: single nucleotide variant.
Coding change: c.1058C>G on transcript NM_004655.4 (MANE Select); coding-DNA position 1058, C replaced by G.
Protein change: p.Pro353Arg; replaces proline 353 with arginine.
Molecular consequence: missense variant.
Genome position (GRCh38, 1-based): chr17:65,541,456, G>C on the plus strand (C>G on the coding strand, the complement: AXIN2 is on the minus strand). VCF-style: chr17-65541456-G-C. GRCh37 (hg19) VCF-style: chr17-63537574-G-C.
Other names: c.1058C>G, p.Pro353Arg (NM_001363813.1); short protein forms P353R.
Identifiers: ClinVar variation 5032562 (VCV005032562.1).
Genomic context (GRCh38, chr17:65,541,456, plus strand): 5'-TTTCTTTAGGACTCAACATGGCAGAAAACAGCTGTCTCCTCACTCCAGACTGTACTCACC[G>C]GGAAATGAGGTAGAGACACTTGGCCATTGGCCTTCACACTGCGATGCATTTCTCTCTGGA-3'
Protein context (NP_004646.3, residues 343-363): ANGQVSLPHF[Pro353Arg]RTHRLPKEMT

ClinVar aggregate classification (germline): Uncertain significance (1 of 4 stars; one submission).

Conditions:
Hereditary cancer-predisposing syndrome. Also called: Neoplastic Syndromes, Hereditary; Tumor predisposition; Hereditary neoplastic syndrome; Hereditary Cancer Syndrome. Identifiers: Orphanet 140162, MedGen C0027672, MeSH D009386, MONDO:0015356.

gnomAD v4.1: 1 of 1,612,934 alleles (0.000062%); highest among the groups gnomAD compares: African/African-American, 0.0013%; no homozygotes.

Submission:

Ambry Genetics
Classification: Uncertain significance for Hereditary cancer-predisposing syndrome. Last evaluated: 2026-07-06. Review status: criteria provided, single submitter. Criteria: Ambry Variant Classification Scheme 2023. Collection method: clinical testing. Allele origin: germline.
Comment: The p.P353R variant (also known as c.1058C>G), located in coding exon 3 of the AXIN2 gene, results from a C to G substitution at nucleotide position 1058. The proline at codon 353 is replaced by arginine, an amino acid with dissimilar properties. This amino acid position is conserved. In addition, this alteration is predicted to be deleterious by in silico analysis. Based on the available evidence, the clinical significance of this variant remains unclear.